The following is an entry in ClinVar:

ClinVar aggregate classification (germline): Uncertain significance (1 of 4 stars; one submission).

Conditions:
RASopathy. Also called: Noonan spectrum disorder; rasopathies. Identifiers: Orphanet 536391, MedGen C5555857, MONDO:0021060.

Submission:

Labcorp Genetics (formerly Invitae), Labcorp
Classification: Uncertain significance for RASopathy. Last evaluated: 2022-07-22. Review status: criteria provided, single submitter. Criteria: Invitae Variant Classification Sherloc (09022015). Collection method: clinical testing. Allele origin: germline.
Comment: This variant is not present in population databases (gnomAD no frequency). This sequence change replaces asparagine, which is neutral and polar, with serine, which is neutral and polar, at codon 82 of the MAP2K2 protein (p.Asn82Ser). This variant has not been reported in the literature in individuals affected with MAP2K2-related conditions. In summary, the available evidence is currently insufficient to determine the role of this variant in disease. Therefore, it has been classified as a Variant of Uncertain Significance. Algorithms developed to predict the effect of missense changes on protein structure and function are either unavailable or do not agree on the potential impact of this missense change (SIFT: "Deleterious"; PolyPhen-2: "Probably Damaging"; Align-GVGD: "Class C0").

NM_030662.4(MAP2K2):c.245A>G (p.Asn82Ser)

Gene: MAP2K2 (mitogen-activated protein kinase kinase 2; minus strand). Cytogenetic location: 19p13.3.
Variant type: single nucleotide variant.
Coding change: c.245A>G on transcript NM_030662.4 (MANE Select); coding-DNA position 245, A replaced by G.
Protein change: p.Asn82Ser; replaces asparagine 82 with serine.
Molecular consequence: missense variant.
Genome position (GRCh38, 1-based): chr19:4,117,477, T>C on the plus strand (A>G on the coding strand, the complement: MAP2K2 is on the minus strand). VCF-style: chr19-4117477-T-C. GRCh37 (hg19) VCF-style: chr19-4117475-T-C.
Other names: short protein forms N82S.
Identifiers: ClinVar variation 1916233 (VCV001916233.5), dbSNP rs2145080034, ClinGen allele CA403392511.